The following is an entry in ClinVar:

NM_001943.5(DSG2):c.2908C>T (p.Pro970Ser)

Genes: DSG2 (desmoglein 2; plus strand), DSG2-AS1 (DSG2 antisense RNA 1; minus strand). Cytogenetic location: 18q12.1.
Variant type: single nucleotide variant.
Coding change: c.2908C>T on transcript NM_001943.5 (MANE Select); coding-DNA position 2908, C replaced by T.
Protein change: p.Pro970Ser; replaces proline 970 with serine.
Molecular consequence: missense variant.
Genome position (GRCh38, 1-based): chr18:31,546,294, C>T. VCF-style: chr18-31546294-C-T. GRCh37 (hg19) VCF-style: chr18-29126257-C-T.
Other names: short protein forms P970S.
Identifiers: ClinVar variation 924924 (VCV000924924.13), dbSNP rs758058872, ClinGen allele CA047476.

ClinVar aggregate classification (germline): Uncertain significance. Review status: criteria provided, multiple submitters, no conflicts (2 of 4 stars). 3 submissions from 3 submitters: Uncertain significance (3). Last evaluated 2024-03-06.

Conditions:
Cardiomyopathy (CMYO). Also called: Cardiomyopathies. Identifiers: Orphanet 167848, MedGen C0878544, MONDO:0004994, HP:0001638. Inheritance: Various modes of inheritance.
Arrhythmogenic right ventricular cardiomyopathy (ARVD). Also called: Arrhythmogenic cardiomyopathy; Cardiomyopathy, ARVC; Arrhythmogenic right ventricular dysplasia; Arrhythmogenic Right Ventricular Cardiomyopathy (ARVC). Identifiers: Orphanet 247, MedGen C0349788, MeSH D019571, MONDO:0016587. Disease mechanism: loss of function. Inheritance: Various modes of inheritance.
Arrhythmogenic right ventricular dysplasia 10. Also called: Arrhythmogenic Right Ventricular Dysplasia/Cardiomyopathy10; ARRHYTHMOGENIC RIGHT VENTRICULAR DYSPLASIA, FAMILIAL, 10; Arrhythmogenic right ventricular dysplasia/cardiomyopathy, type 10. Identifiers: MedGen C1857777, MONDO:0012434, OMIM 610193.

Allele frequency attached by ClinVar (database versions not stated): gnomAD exomes below 0.00001 and 0.00001; TOPMed below 0.00001; ExAC 0.00001.
gnomAD v4.1: 2 of 1,602,312 alleles (0.00012%); highest among the groups gnomAD compares: East Asian, 0.0022%; no homozygotes.

Submissions (3):

Color Diagnostics, LLC DBA Color Health
Classification: Uncertain significance for Cardiomyopathy. Last evaluated: 2024-03-06. Review status: criteria provided, single submitter. Criteria: ACMG Guidelines, 2015. Collection method: clinical testing. Allele origin: germline.
Comment: This missense variant replaces proline with serine at codon 970 of the DSG2 protein. Computational prediction is inconclusive regarding the impact of this variant on protein structure and function (internally defined REVEL score threshold 0.5 < inconclusive < 0.7, PMID: 27666373). To our knowledge, functional studies have not been reported for this variant. This variant has not been reported in individuals affected with cardiovascular disorders in the literature. This variant has been identified in 2/241458 chromosomes in the general population by the Genome Aggregation Database (gnomAD). The available evidence is insufficient to determine the role of this variant in disease conclusively. Therefore, this variant is classified as a Variant of Uncertain Significance.

All of Us Research Program, National Institutes of Health
Classification: Uncertain significance for Arrhythmogenic right ventricular cardiomyopathy. Last evaluated: 2023-11-02. Review status: criteria provided, single submitter. Criteria: ACMG Guidelines, 2015. Collection method: clinical testing. Allele origin: germline. Inheritance: Autosomal dominant inheritance. Observed: 1 variant allele, 1 heterozygote.
Comment: Variant of Uncertain Significance due to insufficient evidence: This missense variant replaces proline with serine at codon 970 of the DSG2 protein. Computational prediction tools and conservation analyses suggest that this variant may have deleterious impact on the protein function. Computational splicing tools suggest that this variant may not impact RNA splicing. To our knowledge, functional assays have not been performed for this variant nor has this variant been reported in individuals affected with cardiovascular disorders in the literature. This variant has been identified in 2/241458 chromosomes in the general population by the Genome Aggregation Database (gnomAD). Available evidence is insufficient to determine the role of this variant in disease conclusively.

This study involves interpretation of variants in research participants for the purpose of population health screening. Participant phenotype was not available at the time of variant classification. Additional details can be found in publication PMID: 35346344, PMCID: PMC8962531

Labcorp Genetics (formerly Invitae), Labcorp
Classification: Uncertain significance for Arrhythmogenic right ventricular dysplasia 10. Last evaluated: 2022-10-13. Review status: criteria provided, single submitter. Criteria: Invitae Variant Classification Sherloc (09022015). Collection method: clinical testing. Allele origin: germline.
Comment: In summary, the available evidence is currently insufficient to determine the role of this variant in disease. Therefore, it has been classified as a Variant of Uncertain Significance. Advanced modeling of protein sequence and biophysical properties (such as structural, functional, and spatial information, amino acid conservation, physicochemical variation, residue mobility, and thermodynamic stability) performed at Invitae indicates that this missense variant is not expected to disrupt DSG2 protein function. ClinVar contains an entry for this variant (Variation ID: 924924). This variant has not been reported in the literature in individuals affected with DSG2-related conditions. This variant is present in population databases (rs758058872, gnomAD 0.01%). This sequence change replaces proline, which is neutral and non-polar, with serine, which is neutral and polar, at codon 970 of the DSG2 protein (p.Pro970Ser).